The following is an entry in ClinVar:

ClinVar aggregate classification (germline): Uncertain significance (0 of 4 stars; one submission).

Conditions:
BBS5-related disorder. Also called: BBS5-related condition.

gnomAD v4.1: 1 of 1,595,040 alleles (0.000063%); highest among the groups gnomAD compares: African/African-American, 0.0013%; no homozygotes.

Submission:

PreventionGenetics, part of Exact Sciences
Classification: Uncertain significance for BBS5-related condition. Last evaluated: 2024-09-28. Review status: no assertion criteria provided. Collection method: clinical testing. Allele origin: germline.
Comment: The BBS5 c.665T>G variant is predicted to result in the amino acid substitution p.Ile222Arg. To our knowledge, this variant has not been reported in the literature. This variant is reported in 0.011% of alleles in individuals of African descent in gnomAD. At this time, the clinical significance of this variant is uncertain due to the absence of conclusive functional and genetic evidence.

NM_152384.3(BBS5):c.665T>G (p.Ile222Arg)

Gene: BBS5 (Bardet-Biedl syndrome 5; plus strand). Cytogenetic location: 2q31.1.
Variant type: single nucleotide variant.
Coding change: c.665T>G on transcript NM_152384.3 (MANE Select); coding-DNA position 665, T replaced by G.
Protein change: p.Ile222Arg; replaces isoleucine 222 with arginine.
Molecular consequence: missense variant.
Genome position (GRCh38, 1-based): chr2:169,497,673, T>G. VCF-style: chr2-169497673-T-G. GRCh37 (hg19) VCF-style: chr2-170354183-T-G.
Other names: short protein forms I222R.
Identifiers: ClinVar variation 3344530 (VCV003344530.1).